The following is an entry in ClinVar:

ClinVar aggregate classification (germline): Pathogenic/Likely pathogenic. Review status: criteria provided, multiple submitters, no conflicts (2 of 4 stars). 10 submissions from 10 submitters: Pathogenic (8); Likely pathogenic (1). 1 of the submissions does not count toward it. Last evaluated 2025-06-27.

Conditions:
CYP4V2-related disorder. Also called: CYP4V2-related disorders; CYP4V2-related condition.
Retinal dystrophy. Also called: Inherited retinal dystrophy. Identifiers: Orphanet 71862, MedGen C0854723, MeSH D058499, MONDO:0019118, HP:0000556.
Bietti crystalline corneoretinal dystrophy (BCD). Also called: Bietti Crystalline Dystrophy; BIETTI TAPETORETINAL DEGENERATION WITH MARGINAL CORNEAL DYSTROPHY. Identifiers: Orphanet 41751, MedGen C1859486, MONDO:0008865, OMIM 210370.

Allele frequency attached by ClinVar (database versions not stated): gnomAD 0.00001; TOPMed 0.00002; gnomAD exomes 0.00003 and 0.00004; ExAC 0.00004.

Submissions (10):

PreventionGenetics, part of Exact Sciences
Classification: Pathogenic for CYP4V2-related condition. Last evaluated: 2025-06-27. Review status: criteria provided, single submitter. Criteria: ACMG Guidelines, 2015. Collection method: clinical testing. Allele origin: germline.
Comment: The CYP4V2 c.283G>A variant is predicted to result in the amino acid substitution p.Gly95Arg. This variant, also described as described as c.587G>A in the literature, has been reported in a homozygous, compound heterozygous state, or along with a second causative CYP4V2 variant in multiple individuals with recessive Bietti crystalline corneoretinal dystrophy, retinitis pigmentosa, or macular dystrophies (for example, Shan et al. 2005. PubMed ID: 16179904; García-García et al. 2018. PubMed ID: 29691984; Sahin et al. 2024. PubMed ID: 38465142; Maggi et al. 2021. PubMed ID: 33546218; Table S1, Lin. 2024. PubMed ID: 38219857; Table S4, Liu et al. 2021. PubMed ID: 33090715). This variant has also been seen in the heterozygous state in individuals with retinitis pigmentosa (Chen et al. 2013. PubMed ID: 23462753; Table S3, Gao et al. 2019. PubMed ID: 31054281; Sun et al. 2020. PubMed ID: 32100970); however, there was another causative variant in a different gene in one of the individuals. This variant is reported in 0.012% of alleles in individuals of African descent in gnomAD. In ClinVar, this variant is consistently classified as likely pathogenic or pathogenic (ClinVar ID: 39261). This variant is interpreted as pathogenic for autosomal recessive disease.

Revvity Omics, Revvity
Classification: Pathogenic for Bietti crystalline corneoretinal dystrophy. Last evaluated: 2024-08-21. Review status: criteria provided, single submitter. Criteria: ACMG Guidelines, 2015. Collection method: clinical testing. Allele origin: germline.

Blueprint Genetics
Classification: Pathogenic for CYP4V2-related disorders. Last evaluated: 2024-08-13. Review status: criteria provided, single submitter. Criteria: ACMG Guidelines, 2015. Collection method: clinical testing. Allele origin: germline. Affected: yes. Observed: 5 variant alleles.

Dept Of Ophthalmology, Nagoya University
Classification: Pathogenic for Retinal dystrophy. Last evaluated: 2023-10-01. Review status: criteria provided, single submitter. Criteria: Submitter's publication. Collection method: research. Allele origin: germline. Affected: yes.

Labcorp Genetics (formerly Invitae), Labcorp
Classification: Pathogenic. Last evaluated: 2022-12-13. Review status: criteria provided, single submitter. Criteria: Invitae Variant Classification Sherloc (09022015). Collection method: clinical testing. Allele origin: germline.
Comment: For these reasons, this variant has been classified as Pathogenic. Advanced modeling of protein sequence and biophysical properties (such as structural, functional, and spatial information, amino acid conservation, physicochemical variation, residue mobility, and thermodynamic stability) performed at Invitae indicates that this missense variant is expected to disrupt CYP4V2 protein function. ClinVar contains an entry for this variant (Variation ID: 39261). This missense change has been observed in individual(s) with Bietti crystalline corneoretinal dystrophy (PMID: 16179904, 24739949, 25593508, 29691984). In at least one individual the data is consistent with being in trans (on the opposite chromosome) from a pathogenic variant. This variant is present in population databases (rs199476187, gnomAD 0.01%). This sequence change replaces glycine, which is neutral and non-polar, with arginine, which is basic and polar, at codon 95 of the CYP4V2 protein (p.Gly95Arg).

CeGaT Center for Human Genetics Tuebingen
Classification: Pathogenic. Last evaluated: 2021-02-01. Review status: criteria provided, single submitter. Criteria: CeGaT Center For Human Genetics Tuebingen Variant Classification Criteria Version 2. Collection method: clinical testing. Allele origin: germline. Affected: yes. Observed: 1 variant allele.

Institute of Medical Molecular Genetics, University of Zurich
Classification: Likely pathogenic for Bietti crystalline corneoretinal dystrophy. Last evaluated: 2021-01-30. Review status: criteria provided, single submitter. Criteria: ACMG Guidelines, 2015. Collection method: clinical testing. Allele origin: germline. Affected: yes.

Institute of Human Genetics, Univ. Regensburg, Univ. Regensburg
Classification: Pathogenic for Retinal dystrophy. Last evaluated: 2011-01-01. Review status: criteria provided, single submitter. Criteria: ACMG Guidelines, 2015. Collection method: clinical testing. Allele origin: germline. Affected: yes.

3billion
Classification: Pathogenic for Bietti crystalline corneoretinal dystrophy. Review status: criteria provided, single submitter. Criteria: ACMG Guidelines, 2015. Collection method: clinical testing. Allele origin: unknown. Affected: yes. Observed: 1 homozygote.
Comment: The variant is observed at an extremely low frequency in the gnomAD v2.1.1 dataset (total allele frequency: 0.004%). In silico tool predictions suggest damaging effect of the variant on gene or gene product (REVEL: 0.92; 3Cnet: 0.63). Same nucleotide change resulting in same amino acid change has been previously reported as pathogenic/likely pathogenic with strong evidence (ClinVar ID: VCV000039261 / PMID: 16179904). The variant has been reported to be in trans with a pathogenic variant as either compound heterozygous or homozygous in at least 2 similarly affected unrelated individuals (PMID: 24739949, 29691984). Therefore, this variant is classified as Pathogenic according to the recommendation of ACMG/AMP guideline.

GeneReviews
Classification: Pathogenic for Bietti Crystalline Dystrophy. Last evaluated: 2012-04-12. Review status: no assertion criteria provided. Collection method: curation. Allele origin: unknown. Not counted in ClinVar's aggregate classification.
ClinVar note: Converted during submission from pathologic to Pathogenic.

Literature cited by the submitters: PubMed 16179904 (cited by 3 submitters); PubMed 24739949 (cited by Labcorp Genetics (formerly Invitae), Labcorp and 3billion); PubMed 25593508 (cited by Labcorp Genetics (formerly Invitae), Labcorp); PubMed 29691984 (cited by 3 submitters); PubMed 23462753 (cited by Institute of Human Genetics, Univ. Regensburg, Univ. Regensburg); PubMed 31589614 (cited by Institute of Human Genetics, Univ. Regensburg, Univ. Regensburg); PubMed 31054281 (cited by Institute of Human Genetics, Univ. Regensburg, Univ. Regensburg); PubMed 31964843 (cited by Institute of Human Genetics, Univ. Regensburg, Univ. Regensburg); PubMed 33090715 (cited by Institute of Human Genetics, Univ. Regensburg, Univ. Regensburg); PubMed 32100970 (cited by Institute of Human Genetics, Univ. Regensburg, Univ. Regensburg); PubMed 32531858 (cited by Institute of Human Genetics, Univ. Regensburg, Univ. Regensburg); PubMed 33816482 (cited by Institute of Human Genetics, Univ. Regensburg, Univ. Regensburg); PubMed 36464167 (cited by Institute of Human Genetics, Univ. Regensburg, Univ. Regensburg).

NM_207352.4(CYP4V2):c.283G>A (p.Gly95Arg)

Gene: CYP4V2 (cytochrome P450 family 4 subfamily V member 2; plus strand). Cytogenetic location: 4q35.1.
Variant type: single nucleotide variant.
Coding change: c.283G>A on transcript NM_207352.4 (MANE Select); coding-DNA position 283, G replaced by A.
Protein change: p.Gly95Arg; replaces glycine 95 with arginine.
Molecular consequence: missense variant.
Genome position (GRCh38, 1-based): chr4:186,194,568, G>A. VCF-style: chr4-186194568-G-A. GRCh37 (hg19) VCF-style: chr4-187115722-G-A.
Other names: c.587G>A; short protein forms G95R.
Identifiers: ClinVar variation 39261 (VCV000039261.50), dbSNP rs199476187, ClinGen allele CA343726.